The following is an entry in ClinVar:

ClinVar aggregate classification (germline): Conflicting classifications of pathogenicity. Review status: criteria provided, conflicting classifications (1 of 4 stars). 5 submissions from 5 submitters: Uncertain significance (2); Likely benign (3). Last evaluated 2025-12-20.

Conditions:
SCN10A-related disorder. Also called: SCN10A-related condition.
Cardiovascular phenotype. Identifiers: MedGen CN230736.
Brugada syndrome. Also called: Sudden unexpected nocturnal death syndrome; Sudden Unexplained Death Syndrome; Sudden Unexplained Nocturnal Death Syndrome (SUNDS); Sudden unexplained nocturnal death syndrome. Identifiers: Orphanet 130, MedGen C1142166, MONDO:0015263.

Allele frequency attached by ClinVar (database versions not stated): gnomAD 0.00013; TOPMed 0.00013; ExAC 0.00022; gnomAD exomes 0.00027.
gnomAD v4.1: 293 of 1,614,096 alleles (0.018%); highest among the groups gnomAD compares: Middle Eastern, 0.13%; 2 homozygotes.

Submissions (5):

Labcorp Genetics (formerly Invitae), Labcorp
Classification: Likely benign for Brugada syndrome. Last evaluated: 2025-12-20. Review status: criteria provided, single submitter. Criteria: Invitae Variant Classification Sherloc (09022015). Collection method: clinical testing. Allele origin: germline.

PreventionGenetics, part of Exact Sciences
Classification: Likely benign for SCN10A-related condition. Last evaluated: 2025-12-16. Review status: criteria provided, single submitter. Criteria: ACMG Guidelines, 2015. Collection method: clinical testing. Allele origin: germline.
Comment: This variant is classified as likely benign based on ACMG/AMP sequence variant interpretation guidelines (Richards et al. 2015 PMID: 25741868, with internal and published modifications).

Ambry Genetics
Classification: Likely benign for Cardiovascular phenotype. Last evaluated: 2020-03-02. Review status: criteria provided, single submitter. Criteria: Ambry Variant Classification Scheme 2023. Collection method: clinical testing. Allele origin: germline.

GeneDx
Classification: Uncertain significance. Last evaluated: 2019-01-03. Review status: criteria provided, single submitter. Criteria: GeneDx Variant Classification (06012015). Collection method: clinical testing. Allele origin: germline. Affected: yes.
Comment: The P939L variant in the SCN10A gene has been reported previously as heterozygous in an individual with painful neuropathy, however it is unclear if this patient was compound heterozygous for another variant (Faber et al., 2012). The P939L variant is observed in 69/277034 (0.025%) alleles in large population cohorts (Lek et al., 2016). The P939L variant is a semi-conservative amino acid substitution, which may impact secondary protein structure as these residues differ in some properties. In-silico analyses, including protein predictors and evolutionary conservation, support that this variant does not alter protein structure/function. We interpret P939L as a variant of uncertain significance.

Stanford Center for Inherited Cardiovascular Disease, Stanford University
Classification: Uncertain significance. Last evaluated: 2017-03-09. Review status: criteria provided, single submitter. Criteria: ACMG Guidelines, 2015. Collection method: provider interpretation. Allele origin: germline.

NM_006514.4(SCN10A):c.2816C>T (p.Pro939Leu)

Genes: SCN10A (sodium voltage-gated channel alpha subunit 10; minus strand), LOC110121288 (VISTA enhancer hs2268; plus strand). Cytogenetic location: 3p22.2.
Variant type: single nucleotide variant.
Coding change: c.2816C>T on transcript NM_006514.4 (MANE Select); coding-DNA position 2816, C replaced by T.
Protein change: p.Pro939Leu; replaces proline 939 with leucine.
Molecular consequence: missense variant.
Genome position (GRCh38, 1-based): chr3:38,726,877, G>A on the plus strand (C>T on the coding strand, the complement: SCN10A is on the minus strand). VCF-style: chr3-38726877-G-A. GRCh37 (hg19) VCF-style: chr3-38768368-G-A.
Other names: c.2816C>T, p.Pro939Leu (NM_001293306.2); c.2522C>T, p.Pro841Leu (NM_001293307.2); short protein forms P939L, P841L.
Identifiers: ClinVar variation 407747 (VCV000407747.15), dbSNP rs202174472, ClinGen allele CA2320427.
Genomic context (GRCh38, chr3:38,726,877, plus strand): 5'-TCAGCCTTGGAGCTGGAGAGTGGGAGTTTCACCACCAGCTCAGGCTCTGCCTTGGGCTGG[G>A]GGAATGGGCAGGACCTGCTGAAGAAGCTGCAAAGAGCCTGTTTGGTACGATGGCCAAAGA-3'
Protein context (NP_006505.4, residues 929-949): CSFFSRSCPF[Pro939Leu]QPKAEPELVV